The following is an entry in ClinVar:

NM_000939.4(POMC):c.231C>T (p.Tyr77=)

Gene: POMC (proopiomelanocortin; minus strand). Cytogenetic location: 2p23.3.
Variant type: single nucleotide variant.
Coding change: c.231C>T on transcript NM_000939.4 (MANE Select); coding-DNA position 231, C replaced by T.
Protein change: p.Tyr77=; no amino-acid change (tyrosine 77 retained).
Molecular consequence: synonymous variant.
Genome position (GRCh38, 1-based): chr2:25,161,654, G>A on the plus strand (C>T on the coding strand, the complement: POMC is on the minus strand). VCF-style: chr2-25161654-G-A. GRCh37 (hg19) VCF-style: chr2-25384523-G-A.
Other names: c.231C>T, p.Tyr77= (NM_001035256.3, NM_001319204.2, NM_001319205.2).
Identifiers: ClinVar variation 3358050 (VCV003358050.1).
Genomic context (GRCh38, chr2:25,161,654, plus strand): 5'-GCTGCCGCTGCTGCTGCTGTTGCGGCGGCCGAATCGGTCCCAGCGGAAGTGGCCCATGAC[G>A]TACTTCCGGGGGTTCTCGGTCAGAGGCTGCTCGTCGCCATTTCCCGGGAACATGGGAGTC-3'
Protein context (NP_000930.1, residues 67-87): EQPLTENPRK[Tyr77=]VMGHFRWDRF

ClinVar aggregate classification (germline): Likely benign (0 of 4 stars; one submission).

Conditions:
POMC-related disorder. Also called: POMC-related disorders; POMC-related condition.

gnomAD v4.1: 13 of 1,557,468 alleles (0.00083%); highest among the groups gnomAD compares: Non-Finnish European, 0.0011%; no homozygotes.

Submission:

PreventionGenetics, part of Exact Sciences
Classification: Likely benign for POMC-related condition. Last evaluated: 2024-06-26. Review status: no assertion criteria provided. Collection method: clinical testing. Allele origin: germline.
Comment: This variant is classified as likely benign based on ACMG/AMP sequence variant interpretation guidelines (Richards et al. 2015 PMID: 25741868, with internal and published modifications).